The following is an entry in ClinVar:

ClinVar aggregate classification (germline): Pathogenic. Review status: reviewed by expert panel (3 of 4 stars). 3 submissions from 3 submitters: Pathogenic (1). 2 of the submissions do not count toward it. Last evaluated 2016-09-08.

Conditions:
Breast-ovarian cancer, familial, susceptibility to, 2 (BROVCA2). Also called: BRCA2 Hereditary Breast and Ovarian Cancer. Identifiers: Orphanet 145, MedGen C2675520, MONDO:0012933, OMIM 612555. Disease mechanism: loss of function.
Hereditary cancer-predisposing syndrome. Also called: Neoplastic Syndromes, Hereditary; Tumor predisposition; Hereditary neoplastic syndrome; Hereditary Cancer Syndrome. Identifiers: Orphanet 140162, MedGen C0027672, MeSH D009386, MONDO:0015356.

Submissions (3):

Evidence-based Network for the Interpretation of Germline Mutant Alleles (ENIGMA)
Classification: Pathogenic for Breast-ovarian cancer, familial, susceptibility to, 2. Last evaluated: 2016-09-08. Review status: reviewed by expert panel. Criteria: ENIGMA BRCA1/2 Classification Criteria (2015). Collection method: curation. Allele origin: germline.
Comment: Variant allele predicted to encode a truncated non-functional protein.

Ambry Genetics
Classification: Pathogenic for Hereditary cancer-predisposing syndrome. Last evaluated: 2014-07-09. Review status: criteria provided, single submitter. Criteria: Ambry Variant Classification Scheme 2023. Collection method: clinical testing. Allele origin: germline. Not counted in ClinVar's aggregate classification.
Comment: The c.8505delA pathogenic mutation, located in coding exon 19 of the BRCA2 gene, results from a deletion of one nucleotide at nucleotide position 8505, causing a translational frameshift with a predicted alternate stop codon. Since frameshifts are typically deleterious in nature, this alteration is interpreted as a disease-causing mutation (ACMG Recommendations for Standards for Interpretation and Reporting of Sequence Variations. Revision 2007. Genet Med. 2008;10:294).

Breast Cancer Information Core (BIC) (BRCA2)
Classification: Pathogenic for Breast-ovarian cancer, familial 2. Last evaluated: 2002-06-20. Review status: no assertion criteria provided. Collection method: clinical testing. Allele origin: germline. Affected: yes. Observed: 1 variant allele. Not counted in ClinVar's aggregate classification.

NM_000059.4(BRCA2):c.8505del (p.Ser2836fs)

Gene: BRCA2 (BRCA2 DNA repair associated; plus strand). Cytogenetic location: 13q13.1.
Variant type: Deletion.
Coding change: c.8505del on transcript NM_000059.4 (MANE Select); coding-DNA position 8505, one base deleted (A; older notation c.8505delA).
Protein change: p.Ser2836fs; shifts the reading frame from serine 2836.
Molecular consequence: frameshift variant.
Genome position (GRCh38, 1-based): chr13:32,370,973, A deleted. VCF-style (leftmost placement, unchanged base first): chr13-32370972-CA-C. GRCh37 (hg19) VCF-style: chr13-32945109-CA-C.
Other names: 8733delA; c.8505delA (NM_000059.3); short protein forms S2836fs.
Identifiers: ClinVar variation 52608 (VCV000052608.8), dbSNP rs80359713, ClinGen allele CA025686.